The following is an entry in ClinVar:

NM_001366521.1(ATP2B1):c.20_21insG (p.Asn7fs)

Gene: ATP2B1 (ATPase plasma membrane Ca2+ transporting 1; minus strand). Cytogenetic location: 12q21.33.
Variant type: Insertion.
Coding change: c.20_21insG on transcript NM_001366521.1 (MANE Select); coding-DNA positions 20 to 21, G inserted.
Protein change: p.Asn7fs; shifts the reading frame from asparagine 7.
Molecular consequence: frameshift variant. On other transcripts: non-coding transcript variant (3).
Genome position: GRCh38 VCF-style: chr12-89655866-G-GC. GRCh37 (hg19) VCF-style: chr12-90049643-G-GC.
Other names: c.20_21insG, p.Asn7fs (NM_001001323.2, NM_001366520.1, NM_001366522.1 and 26 more transcripts); short protein forms N7fs.
Identifiers: ClinVar variation 3651904 (VCV003651904.2).

ClinVar aggregate classification (germline): Pathogenic (1 of 4 stars; one submission).

Submission:

Labcorp Genetics (formerly Invitae), Labcorp
Classification: Pathogenic. Last evaluated: 2024-05-02. Review status: criteria provided, single submitter. Criteria: Invitae Variant Classification Sherloc (09022015). Collection method: clinical testing. Allele origin: germline.
Comment: This sequence change creates a premature translational stop signal (p.Asn7Lysfs*16) in the ATP2B1 gene. It is expected to result in an absent or disrupted protein product. Loss-of-function variants in ATP2B1 are known to be pathogenic (PMID: 35358416). This variant is not present in population databases (gnomAD no frequency). This variant has not been reported in the literature in individuals affected with ATP2B1-related conditions. For these reasons, this variant has been classified as Pathogenic.

Literature cited by the submitters: PubMed 35358416.